The following is an entry in ClinVar:

NM_014249.4(NR2E3):c.1217A>T (p.Asp406Val)

Gene: NR2E3 (nuclear receptor subfamily 2 group E member 3; plus strand). Cytogenetic location: 15q23.
Variant type: single nucleotide variant.
Coding change: c.1217A>T on transcript NM_014249.4 (MANE Select); coding-DNA position 1217, A replaced by T.
Protein change: p.Asp406Val; replaces aspartic acid 406 with valine.
Molecular consequence: missense variant.
Genome position (GRCh38, 1-based): chr15:71,817,668, A>T. VCF-style: chr15-71817668-A-T. GRCh37 (hg19) VCF-style: chr15-72110009-A-T.
Other names: short protein forms D406V.
Identifiers: ClinVar variation 1719017 (VCV001719017.5), dbSNP rs1433991680, ClinGen allele CA393041659.
Genomic context (GRCh38, chr15:71,817,668, plus strand): 5'-TCGAGCTCCTCTTTTTCCGCAAGACCATAGGGAATACTCCAATGGAGAAGCTCCTTTGTG[A>T]TATGTTCAAAAACTAGTGGGGGTGGAGGTGAAATGTTTCCAAGCACTCTGGAAAACAATC-3'
Protein context (NP_055064.1, residues 396-410): GNTPMEKLLC[Asp406Val]MFKN

ClinVar aggregate classification (germline): Uncertain significance (1 of 4 stars; one submission).

Submission:

Labcorp Genetics (formerly Invitae), Labcorp
Classification: Uncertain significance. Last evaluated: 2022-09-07. Review status: criteria provided, single submitter. Criteria: Invitae Variant Classification Sherloc (09022015). Collection method: clinical testing. Allele origin: germline.
Comment: In summary, the available evidence is currently insufficient to determine the role of this variant in disease. Therefore, it has been classified as a Variant of Uncertain Significance. Experimental studies and prediction algorithms are not available or were not evaluated, and the functional significance of this variant is currently unknown. This variant has not been reported in the literature in individuals affected with NR2E3-related conditions. This variant is not present in population databases (gnomAD no frequency). This sequence change replaces aspartic acid, which is acidic and polar, with valine, which is neutral and non-polar, at codon 406 of the NR2E3 protein (p.Asp406Val).